The following is an entry in ClinVar:

NM_001042413.2(GLIS3):c.1270T>C (p.Ser424Pro)

Gene: GLIS3 (GLIS family zinc finger 3; minus strand). Cytogenetic location: 9p24.2.
Variant type: single nucleotide variant.
Coding change: c.1270T>C on transcript NM_001042413.2 (MANE Select); coding-DNA position 1270, T replaced by C.
Protein change: p.Ser424Pro; replaces serine 424 with proline.
Molecular consequence: missense variant.
Genome position (GRCh38, 1-based): chr9:4,118,208, A>G on the plus strand (T>C on the coding strand, the complement: GLIS3 is on the minus strand). VCF-style: chr9-4118208-A-G. GRCh37 (hg19) VCF-style: chr9-4118208-A-G.
Other names: c.805T>C, p.Ser269Pro (NM_152629.4); short protein forms S424P, S269P.
Identifiers: ClinVar variation 129159 (VCV000129159.30), dbSNP rs806052, ClinGen allele CA152988.

ClinVar aggregate classification (germline): Benign. Review status: criteria provided, multiple submitters, no conflicts (2 of 4 stars). 12 submissions from 12 submitters: Benign (9). 3 of the submissions do not count toward it. Last evaluated 2026-02-04.

Conditions:
Neonatal diabetes mellitus with congenital hypothyroidism. Also called: NDH SYNDROME. Identifiers: Orphanet 79118, MedGen C1857775, MONDO:0012436, OMIM 610199.

Allele frequency attached by ClinVar (database versions not stated): ESP Exome Variant Server 0.99871; TOPMed 0.99877; gnomAD 0.99890 and 0.99897; 1000 Genomes Project 30x 0.99891; 1000 Genomes Project 0.99900; ExAC 0.99973; gnomAD exomes 0.99973.
gnomAD v4.1: 1,584,712 of 1,585,008 alleles (100%); highest among the groups gnomAD compares: Middle Eastern, 100%; 792,208 homozygotes.

Submissions (12):

Labcorp Genetics (formerly Invitae), Labcorp
Classification: Benign. Last evaluated: 2026-02-04. Review status: criteria provided, single submitter. Criteria: Invitae Variant Classification Sherloc (09022015). Collection method: clinical testing. Allele origin: germline.

Blueprint Genetics
Classification: Benign. Last evaluated: 2024-11-27. Review status: criteria provided, single submitter. Criteria: ACMG Guidelines, 2015. Collection method: clinical testing. Allele origin: germline.

Genome-Nilou Lab
Classification: Benign for Neonatal diabetes mellitus with congenital hypothyroidism. Last evaluated: 2021-08-10. Review status: criteria provided, single submitter. Criteria: ACMG Guidelines, 2015. Collection method: clinical testing. Allele origin: germline. Affected: no.

GeneDx
Classification: Benign. Last evaluated: 2019-07-17. Review status: criteria provided, single submitter. Criteria: GeneDx Variant Classification Process June 2021. Collection method: clinical testing. Allele origin: germline. Affected: yes.
Comment: This variant is associated with the following publications: (PMID: 28444304)

Mendelics
Classification: Benign for Neonatal diabetes mellitus with congenital hypothyroidism. Last evaluated: 2019-05-28. Review status: criteria provided, single submitter. Criteria: Mendelics Assertion Criteria 2017. Collection method: clinical testing. Allele origin: unknown.

Illumina Laboratory Services, Illumina
Classification: Benign for Neonatal diabetes mellitus with congenital hypothyroidism. Last evaluated: 2018-01-13. Review status: criteria provided, single submitter. Criteria: ICSL Variant Classification Criteria 13 December 2019. Collection method: clinical testing. Allele origin: germline.
Comment: This variant was observed in the ICSL laboratory as part of a predisposition screen in an ostensibly healthy population. It had not been previously curated by ICSL or reported in the Human Gene Mutation Database (HGMD: prior to June 1st, 2018), and was therefore a candidate for classification through an automated scoring system. Utilizing variant allele frequency, disease prevalence and penetrance estimates, and inheritance mode, an automated score was calculated to assess if this variant is too frequent to cause the disease. Based on the score and internal cut-off values, a variant classified as benign is not then subjected to further curation. The score for this variant resulted in a classification of benign for this disease.

Eurofins Ntd Llc (ga)
Classification: Benign. Last evaluated: 2016-02-25. Review status: criteria provided, single submitter. Criteria: EGL Classification Definitions 2015. Collection method: clinical testing. Allele origin: germline. Observed: 3 variant alleles, 3 homozygotes.

Breakthrough Genomics
Classification: Benign. Review status: criteria provided, single submitter. Criteria: ACMG Guidelines, 2015. Collection method: not provided. Allele origin: germline. Inheritance: Autosomal recessive inheritance. Affected: yes.

PreventionGenetics, part of Exact Sciences
Classification: Benign. Review status: criteria provided, single submitter. Criteria: ACMG Guidelines, 2015. Collection method: clinical testing. Allele origin: germline.

Clinical Genetics, Academic Medical Center
Classification: Benign. Review status: no assertion criteria provided. Collection method: clinical testing. Allele origin: germline. Affected: yes. Study: VKGL Data-share Consensus. Not counted in ClinVar's aggregate classification.

Diagnostic Laboratory, Department of Genetics, University Medical Center Groningen
Classification: Benign. Review status: no assertion criteria provided. Collection method: clinical testing. Allele origin: germline. Affected: yes. Study: VKGL Data-share Consensus. Not counted in ClinVar's aggregate classification.

Genetic Services Laboratory, University of Chicago
Classification: Likely benign for AllHighlyPenetrant. Review status: no assertion criteria provided. Collection method: clinical testing. Allele origin: germline. Inheritance: Autosomal recessive inheritance. Not counted in ClinVar's aggregate classification.
Comment: Likely benign based on allele frequency in 1000 Genomes Project or ESP global frequency and its presence in a patient with a rare or unrelated disease phenotype. NOT Sanger confirmed.